The following is an entry in ClinVar:

NM_001394062.1(MACF1):c.12982C>T (p.Arg4328Trp)

Gene: MACF1 (microtubule actin crosslinking factor 1; plus strand). Cytogenetic location: 1p34.3.
Variant type: single nucleotide variant.
Coding change: c.12982C>T on transcript NM_001394062.1 (MANE Select); coding-DNA position 12982, C replaced by T.
Protein change: p.Arg4328Trp; replaces arginine 4328 with tryptophan.
Molecular consequence: missense variant.
Genome position (GRCh38, 1-based): chr1:39,370,073, C>T. VCF-style: chr1-39370073-C-T. GRCh37 (hg19) VCF-style: chr1-39835745-C-T.
Other names: c.6796C>T, p.Arg2266Trp (NM_012090.5); short protein forms R4328W, R2266W.
Identifiers: ClinVar variation 3707275 (VCV003707275.2).

ClinVar aggregate classification (germline): Uncertain significance (1 of 4 stars; one submission).

gnomAD v4.1: 19 of 1,613,584 alleles (0.0012%); highest among the groups gnomAD compares: Admixed American, 0.0017%; no homozygotes.

Submission:

Labcorp Genetics (formerly Invitae), Labcorp
Classification: Uncertain significance. Last evaluated: 2024-09-15. Review status: criteria provided, single submitter. Criteria: Invitae Variant Classification Sherloc (09022015). Collection method: clinical testing. Allele origin: germline.
Comment: This sequence change replaces arginine, which is basic and polar, with tryptophan, which is neutral and slightly polar, at codon 2266 of the MACF1 protein (p.Arg2266Trp). This variant is present in population databases (rs143291154, gnomAD 0.003%). This variant has not been reported in the literature in individuals affected with MACF1-related conditions. An algorithm developed to predict the effect of missense changes on protein structure and function (PolyPhen-2) suggests that this variant is likely to be disruptive. In summary, the available evidence is currently insufficient to determine the role of this variant in disease. Therefore, it has been classified as a Variant of Uncertain Significance.